The following is an entry in ClinVar:

ClinVar aggregate classification (germline): Uncertain significance. Review status: criteria provided, multiple submitters, no conflicts (2 of 4 stars). 2 submissions from 2 submitters: Uncertain significance (2). Last evaluated 2022-07-06.

Allele frequency attached by ClinVar (database versions not stated): gnomAD exomes 0.00001.
gnomAD v4.1: 10 of 1,368,882 alleles (0.00073%); highest among the groups gnomAD compares: East Asian, 0.0027%; no homozygotes.

Submissions (2):

Labcorp Genetics (formerly Invitae), Labcorp
Classification: Uncertain significance. Last evaluated: 2022-07-06. Review status: criteria provided, single submitter. Criteria: Invitae Variant Classification Sherloc (09022015). Collection method: clinical testing. Allele origin: germline.
Comment: This sequence change replaces serine, which is neutral and polar, with phenylalanine, which is neutral and non-polar, at codon 51 of the TULP1 protein (p.Ser51Phe). This variant is not present in population databases (gnomAD no frequency). This variant has not been reported in the literature in individuals affected with TULP1-related conditions. ClinVar contains an entry for this variant (Variation ID: 1044444). Algorithms developed to predict the effect of missense changes on protein structure and function are either unavailable or do not agree on the potential impact of this missense change (SIFT: "Not Available"; PolyPhen-2: "Benign"; Align-GVGD: "Not Available"). In summary, the available evidence is currently insufficient to determine the role of this variant in disease. Therefore, it has been classified as a Variant of Uncertain Significance.

Blueprint Genetics
Classification: Uncertain significance. Last evaluated: 2022-02-25. Review status: criteria provided, single submitter. Criteria: ACMG Guidelines, 2015. Collection method: clinical testing. Allele origin: germline.

NM_003322.6(TULP1):c.152C>T (p.Ser51Phe)

Gene: TULP1 (TUB like protein 1; minus strand). Cytogenetic location: 6p21.31.
Variant type: single nucleotide variant.
Coding change: c.152C>T on transcript NM_003322.6 (MANE Select); coding-DNA position 152, C replaced by T.
Protein change: p.Ser51Phe; replaces serine 51 with phenylalanine.
Molecular consequence: missense variant.
Genome position (GRCh38, 1-based): chr6:35,512,218, G>A on the plus strand (C>T on the coding strand, the complement: TULP1 is on the minus strand). VCF-style: chr6-35512218-G-A. GRCh37 (hg19) VCF-style: chr6-35479995-G-A.
Other names: c.152C>T, p.Ser51Phe (NM_001289395.2); short protein forms S51F.
Identifiers: ClinVar variation 1044444 (VCV001044444.7), dbSNP rs1323166247, ClinGen allele CA363784988.